The following is an entry in ClinVar:

NM_005076.5(CNTN2):c.2126C>G (p.Ala709Gly)

Gene: CNTN2 (contactin 2; plus strand). Cytogenetic location: 1q32.1.
Variant type: single nucleotide variant.
Coding change: c.2126C>G on transcript NM_005076.5 (MANE Select); coding-DNA position 2126, C replaced by G.
Protein change: p.Ala709Gly; replaces alanine 709 with glycine.
Molecular consequence: missense variant. On other transcripts: non-coding transcript variant (1).
Genome position (GRCh38, 1-based): chr1:205,069,491, C>G. VCF-style: chr1-205069491-C-G. GRCh37 (hg19) VCF-style: chr1-205038619-C-G.
Other names: c.2126C>G, p.Ala709Gly (NM_001346083.2); short protein forms A709G.
Identifiers: ClinVar variation 1397407 (VCV001397407.8), dbSNP rs2151198136, ClinGen allele CA344377662.

ClinVar aggregate classification (germline): Uncertain significance (1 of 4 stars; one submission).

Conditions:
Epilepsy, familial adult myoclonic, 5 (EPEO5). Also called: CORTICAL MYOCLONIC TREMOR WITH EPILEPSY, FAMILIAL, 5. Identifiers: Orphanet 86814, MedGen C3809374, MONDO:0014167, OMIM 615400.

Submission:

Labcorp Genetics (formerly Invitae), Labcorp
Classification: Uncertain significance for Epilepsy, familial adult myoclonic, 5. Last evaluated: 2022-09-13. Review status: criteria provided, single submitter. Criteria: Invitae Variant Classification Sherloc (09022015). Collection method: clinical testing. Allele origin: germline.
Comment: In summary, the available evidence is currently insufficient to determine the role of this variant in disease. Therefore, it has been classified as a Variant of Uncertain Significance. This sequence change replaces alanine, which is neutral and non-polar, with glycine, which is neutral and non-polar, at codon 709 of the CNTN2 protein (p.Ala709Gly). This variant is not present in population databases (gnomAD no frequency). This variant has not been reported in the literature in individuals affected with CNTN2-related conditions. ClinVar contains an entry for this variant (Variation ID: 1397407). Algorithms developed to predict the effect of missense changes on protein structure and function are either unavailable or do not agree on the potential impact of this missense change (SIFT: "Deleterious"; PolyPhen-2: "Possibly Damaging"; Align-GVGD: "Class C0"). Algorithms developed to predict the effect of sequence changes on RNA splicing suggest that this variant may disrupt the consensus splice site.